The following is an entry in ClinVar:

ClinVar aggregate classification (germline): Pathogenic (1 of 4 stars; one submission).

Submission:

Labcorp Genetics (formerly Invitae), Labcorp
Classification: Pathogenic. Last evaluated: 2023-07-18. Review status: criteria provided, single submitter. Criteria: Invitae Variant Classification Sherloc (09022015). Collection method: clinical testing. Allele origin: germline.
Comment: For these reasons, this variant has been classified as Pathogenic. This variant disrupts a region of the AMER1 protein in which other variant(s) (p.Arg358*) have been determined to be pathogenic (PMID: 19079258). This suggests that this is a clinically significant region of the protein, and that variants that disrupt it are likely to be disease-causing. This variant has not been reported in the literature in individuals affected with AMER1-related conditions. This variant is not present in population databases (gnomAD no frequency). This sequence change creates a premature translational stop signal (p.Asp315Metfs*2) in the AMER1 gene. While this is not anticipated to result in nonsense mediated decay, it is expected to disrupt the last 821 amino acid(s) of the AMER1 protein.

Literature cited by the submitters: PubMed 19079258.

NM_152424.4(AMER1):c.943del (p.Asp315fs)

Gene: AMER1 (APC membrane recruitment protein 1; minus strand). Cytogenetic location: Xq11.2.
Variant type: Deletion.
Coding change: c.943del on transcript NM_152424.4 (MANE Select); coding-DNA position 943, one base deleted (G; older notation c.943delG).
Protein change: p.Asp315fs; shifts the reading frame from aspartic acid 315.
Molecular consequence: frameshift variant.
Genome position (GRCh38, 1-based): chrX:64,192,344, C deleted on the plus strand (G on the coding strand, the reverse complement: AMER1 is on the minus strand); the first of 4 consecutive C bases (chrX:64,192,344-64,192,347); deleting any one gives the same sequence. VCF-style (leftmost placement, unchanged base first): chrX-64192343-TC-T. GRCh37 (hg19) VCF-style: chrX-63412223-TC-T.
Other names: short protein forms D315fs.
Identifiers: ClinVar variation 2744814 (VCV002744814.3), dbSNP rs2521223304, ClinGen allele CA2697553137.